The following is an entry in ClinVar:

NM_014727.3(KMT2B):c.1089C>T (p.Asp363=)

Gene: KMT2B (lysine methyltransferase 2B; plus strand). Cytogenetic location: 19q13.12.
Variant type: single nucleotide variant.
Coding change: c.1089C>T on transcript NM_014727.3 (MANE Select); coding-DNA position 1089, C replaced by T.
Protein change: p.Asp363=; no amino-acid change (aspartic acid 363 retained).
Molecular consequence: synonymous variant.
Genome position (GRCh38, 1-based): chr19:35,720,436, C>T. VCF-style: chr19-35720436-C-T. GRCh37 (hg19) VCF-style: chr19-36211338-C-T.
Identifiers: ClinVar variation 2077976 (VCV002077976.29), dbSNP rs371840648, ClinGen allele CA9384175.

ClinVar aggregate classification (germline): Likely benign. Review status: criteria provided, multiple submitters, no conflicts (2 of 4 stars). 3 submissions from 3 submitters: Likely benign (3). Last evaluated 2024-02-05.

Allele frequency attached by ClinVar (database versions not stated): gnomAD exomes 0.00002; ExAC 0.00004; gnomAD 0.00008; TOPMed 0.00012; ESP Exome Variant Server 0.00016.
gnomAD v4.1: 46 of 1,554,092 alleles (0.003%); highest among the groups gnomAD compares: African/African-American, 0.029%; no homozygotes.

Submissions (3):

Labcorp Genetics (formerly Invitae), Labcorp
Classification: Likely benign. Last evaluated: 2024-02-05. Review status: criteria provided, single submitter. Criteria: Invitae Variant Classification Sherloc (09022015). Collection method: clinical testing. Allele origin: germline.

CeGaT Center for Human Genetics Tuebingen
Classification: Likely benign. Last evaluated: 2023-03-01. Review status: criteria provided, single submitter. Criteria: CeGaT Center For Human Genetics Tuebingen Variant Classification Criteria Version 2. Collection method: clinical testing. Allele origin: germline. Affected: yes. Observed: 1 variant allele.
Comment: KMT2B: BP4, BP7

Blueprint Genetics
Classification: Likely benign. Last evaluated: 2022-07-27. Review status: criteria provided, single submitter. Criteria: ACMG Guidelines, 2015. Collection method: clinical testing. Allele origin: germline.